The following is an entry in ClinVar:

ClinVar aggregate classification (germline): Conflicting classifications of pathogenicity. Review status: criteria provided, conflicting classifications (1 of 4 stars). 3 submissions from 3 submitters: Uncertain significance (2); Likely benign (1). Last evaluated 2025-03-31.

Conditions:
OTOG-related disorder. Also called: OTOG-related condition.

Allele frequency attached by ClinVar (database versions not stated): gnomAD exomes 0.00014; gnomAD 0.00058 and 0.00059; TOPMed 0.00066; 1000 Genomes Project 0.00100; 1000 Genomes Project 30x 0.00156.
gnomAD v4.1: 214 of 1,547,356 alleles (0.014%); highest among the groups gnomAD compares: African/African-American, 0.21%; no homozygotes.

Submissions (3):

PreventionGenetics, part of Exact Sciences
Classification: Likely benign for OTOG-related condition. Last evaluated: 2025-03-31. Review status: criteria provided, single submitter. Criteria: ACMG Guidelines, 2015. Collection method: clinical testing. Allele origin: germline.
Comment: This variant is classified as likely benign based on ACMG/AMP sequence variant interpretation guidelines (Richards et al. 2015 PMID: 25741868, with internal and published modifications).

Blueprint Genetics
Classification: Uncertain significance. Last evaluated: 2024-02-20. Review status: criteria provided, single submitter. Criteria: ACMG Guidelines, 2015. Collection method: clinical testing. Allele origin: germline.

GeneDx
Classification: Uncertain significance. Last evaluated: 2020-03-17. Review status: criteria provided, single submitter. Criteria: GeneDx Variant Classification Process June 2021. Collection method: clinical testing. Allele origin: germline. Affected: yes.
Comment: In silico analysis supports that this missense variant does not alter protein structure/function; Has not been previously published as pathogenic or benign to our knowledge

NM_001292063.2(OTOG):c.173C>T (p.Ala58Val)

Gene: OTOG (otogelin; plus strand). Cytogenetic location: 11p15.1.
Variant type: single nucleotide variant.
Coding change: c.173C>T on transcript NM_001292063.2 (MANE Select); coding-DNA position 173, C replaced by T.
Protein change: p.Ala58Val; replaces alanine 58 with valine.
Molecular consequence: missense variant.
Genome position (GRCh38, 1-based): chr11:17,548,169, C>T. VCF-style: chr11-17548169-C-T. GRCh37 (hg19) VCF-style: chr11-17569716-C-T.
Other names: c.209C>T, p.Ala70Val (NM_001277269.2); short protein forms A58V, A70V.
Identifiers: ClinVar variation 1215900 (VCV001215900.5), dbSNP rs572827464, ClinGen allele CA218484473.